The following is an entry in ClinVar:

ClinVar aggregate classification (germline): Uncertain significance. Review status: criteria provided, multiple submitters, no conflicts (2 of 4 stars). 3 submissions from 3 submitters: Uncertain significance (3). Last evaluated 2026-03-28.

Conditions:
Worth disease. Also called: ENDOSTEAL HYPEROSTOSIS, AUTOSOMAL DOMINANT; OSTEOSCLEROSIS, AUTOSOMAL DOMINANT; Autosomal dominant osteosclerosis, Worth type. Identifiers: Orphanet 2790, MedGen C0432273, MONDO:0007764, OMIM 144750.
Autosomal dominant osteopetrosis 1 (OPTA1). Also called: OSTEOPETROSIS, AUTOSOMAL DOMINANT, TYPE I. Identifiers: Orphanet 2783, MedGen C1843330, MONDO:0011877, OMIM 607634.
Osteoporosis with pseudoglioma (OPPG). Also called: osteoporosis-pseudoglioma syndrome. Identifiers: Orphanet 2788, MedGen C0432252, MONDO:0009820, OMIM 259770.
Polycystic liver disease 4 with or without kidney cysts. Identifiers: MedGen C4693479, MONDO:0044327, OMIM 617875.
Bone mineral density quantitative trait locus 1 (BMND1). Identifiers: MedGen C1866079, OMIM 601884.
Exudative vitreoretinopathy 4 (EVR4). Identifiers: Orphanet 891, MedGen C1866176, MONDO:0011151, OMIM 601813.
LRP5-related disorder. Also called: LRP5-related condition.

Allele frequency attached by ClinVar (database versions not stated): gnomAD 0.00001; gnomAD exomes 0.00001; ExAC 0.00002; TOPMed 0.00002.
gnomAD v4.1: 15 of 1,612,942 alleles (0.00093%); highest among the groups gnomAD compares: Middle Eastern, 0.033%; no homozygotes.

Submissions (3):

PreventionGenetics, part of Exact Sciences
Classification: Uncertain significance for LRP5-related condition. Last evaluated: 2026-03-28. Review status: criteria provided, single submitter. Criteria: ACMG Guidelines, 2015. Collection method: clinical testing. Allele origin: germline.
Comment: The LRP5 c.772C>T variant is predicted to result in the amino acid substitution p.Arg258Cys. This variant was reported in an individual with atypical femoral fractures (Garcia-Giralt et al. 2024. PubMed ID: 39148098). This variant is reported in 0.00089% of alleles in individuals of European (Non-Finnish) descent in gnomAD. At this time, the clinical significance of this variant is uncertain due to the absence of conclusive functional and genetic evidence.

Labcorp Genetics (formerly Invitae), Labcorp
Classification: Uncertain significance. Last evaluated: 2025-08-20. Review status: criteria provided, single submitter. Criteria: Invitae Variant Classification Sherloc (09022015). Collection method: clinical testing. Allele origin: germline.
Comment: This sequence change replaces arginine, which is basic and polar, with cysteine, which is neutral and slightly polar, at codon 258 of the LRP5 protein (p.Arg258Cys). This variant is present in population databases (rs751071752, gnomAD 0.006%). This variant has not been reported in the literature in individuals affected with LRP5-related conditions. ClinVar contains an entry for this variant (Variation ID: 1936497). Invitae Evidence Modeling of protein sequence and biophysical properties (such as structural, functional, and spatial information, amino acid conservation, physicochemical variation, residue mobility, and thermodynamic stability) has been performed for this missense variant. However, the output from this modeling did not meet the statistical confidence thresholds required to predict the impact of this variant on LRP5 protein function. In summary, the available evidence is currently insufficient to determine the role of this variant in disease. Therefore, it has been classified as a Variant of Uncertain Significance.

Fulgent Genetics
Classification: Uncertain significance for Worth disease; Osteoporosis with pseudoglioma; Exudative vitreoretinopathy 4; Bone mineral density quantitative trait locus 1; Autosomal dominant osteopetrosis 1; Polycystic liver disease 4 with or without kidney cysts. Last evaluated: 2024-03-27. Review status: criteria provided, single submitter. Criteria: ACMG Guidelines, 2015. Collection method: clinical testing. Allele origin: germline.

NM_002335.4(LRP5):c.772C>T (p.Arg258Cys)

Gene: LRP5 (LDL receptor related protein 5; plus strand). Cytogenetic location: 11q13.2.
Variant type: single nucleotide variant.
Coding change: c.772C>T on transcript NM_002335.4 (MANE Select); coding-DNA position 772, C replaced by T.
Protein change: p.Arg258Cys; replaces arginine 258 with cysteine.
Molecular consequence: missense variant. On other transcripts: 5 prime UTR variant (1).
Genome position (GRCh38, 1-based): chr11:68,363,832, C>T. VCF-style: chr11-68363832-C-T. GRCh37 (hg19) VCF-style: chr11-68131300-C-T.
Other names: c.-994C>T (NM_001291902.2); c.772C>T (NM_002335.3); short protein forms R258C.
Identifiers: ClinVar variation 1936497 (VCV001936497.7), dbSNP rs751071752, ClinGen allele CA6149109.